The following is an entry in ClinVar:

NM_203486.3(DLL3):c.599_603dup (p.Pro202fs)

Genes: PLEKHG2 (pleckstrin homology and RhoGEF domain containing G2; plus strand), DLL3 (delta like canonical Notch ligand 3; plus strand), LOC130064417 (ATAC-STARR-seq lymphoblastoid silent region 10608; plus strand). Cytogenetic location: 19q13.2.
Variant type: Microsatellite.
Coding change: c.599_603dup on transcript NM_203486.3 (MANE Select); coding-DNA positions 599 to 603, 5 bases duplicated (GCGGT; older notation c.599_603dupGCGGT).
Protein change: p.Pro202fs; shifts the reading frame from proline 202.
Molecular consequence: frameshift variant.
Genome position (GRCh38, 1-based): chr19:39,503,004-39,503,008, GCGGT duplicated; duplicating any 5 consecutive bases within chr19:39,502,999-39,503,008 gives the same sequence; the c. name uses the placement nearest the transcript's 3' end. VCF-style (leftmost placement, unchanged base first): chr19-39502998-C-CGCGGT. GRCh37 (hg19) VCF-style: chr19-39993638-C-CGCGGT.
Other names: c.599_603dup, p.Pro202fs (NM_016941.4); c.599_603dupGCGGT (NM_016941.3); c.599_603dup5 (NM_016941.3); short protein forms P202fs.
Identifiers: ClinVar variation 6828 (VCV000006828.63), dbSNP rs786200899, ClinGen allele CA253970.
Genomic context (GRCh38, chr19:39,502,998, plus strand): 5'-GCGAGCCGCCTGCCGTCGGGACCGCGTGCACGCGCCTCTGCCGTCCGCGCAGCGCCCCCT[C>CGCGGT]GCGGTGCGGTCCGGGACTGCGCCCCTGCGCACCGCTCGAGGACGAATGTGAGGCGCCGCG-3'

ClinVar aggregate classification (germline): Pathogenic. Review status: criteria provided, multiple submitters, no conflicts (2 of 4 stars). 13 submissions from 13 submitters: Pathogenic (12). 1 of the submissions does not count toward it. Last evaluated 2026-07-27.

Conditions:
DLL3-related disorder. Also called: DLL3-related condition.
Leukodystrophy and acquired microcephaly with or without dystonia;. Also called: Leukodystrophy and acquired microcephaly with or without dystonia. Identifiers: MedGen C4225213, MONDO:0014766, OMIM 616763.
Spondylocostal dysostosis 1, autosomal recessive (SCDO1). Also called: DLL3-Related Spondylocostal Dysostosis, Autosomal Recessive. Identifiers: Orphanet 2311, MedGen CN032975, MONDO:0020692, OMIM 277300.

Submissions (13):

PreventionGenetics, part of Exact Sciences
Classification: Pathogenic for DLL3-related condition. Last evaluated: 2026-07-27. Review status: criteria provided, single submitter. Criteria: ACMG Guidelines, 2015. Collection method: clinical testing. Allele origin: germline.
Comment: The DLL3 c.599_603dup5 variant is predicted to result in a frameshift and premature protein termination (p.Pro202Alafs*41). This variant has been reported in the homozygous state in multiple individuals with spondylocostal dysostosis (reported as 593insGCGGT, Bulman et al. 2000. PubMed ID: 10742114; Table S1, Maddirevula et al 2018. PubMed ID: 29620724; Linnenkamp et al. 2022. PubMed ID: 35137400). At PreventionGenetics, we have identified this variant in the homozygous and compound heterozygous state with another pathogenic variant in individuals undergoing testing for spondylocostal dysostosis. This variant is reported in 0.015% of alleles in individuals of Ashkenazi Jewish descent in gnomAD. Frameshift variants in DLL3 are expected to be pathogenic. This variant is interpreted as pathogenic.

Labcorp Genetics (formerly Invitae), Labcorp
Classification: Pathogenic. Last evaluated: 2025-12-20. Review status: criteria provided, single submitter. Criteria: Invitae Variant Classification Sherloc (09022015). Collection method: clinical testing. Allele origin: germline.
Comment: This sequence change creates a premature translational stop signal (p.Pro202Alafs*41) in the DLL3 gene. It is expected to result in an absent or disrupted protein product. Loss-of-function variants in DLL3 are known to be pathogenic (PMID: 12746394). This variant is present in population databases (rs750107624, gnomAD 0.01%). This premature translational stop signal has been observed in individual(s) with spondylocostal dysostosis (PMID: 10742114, 29620724). ClinVar contains an entry for this variant (Variation ID: 6828). For these reasons, this variant has been classified as Pathogenic.

Dasa
Classification: Pathogenic. Last evaluated: 2025-12-02. Review status: criteria provided, single submitter. Criteria: DASA Assertion Criteria. Collection method: clinical testing. Allele origin: germline.
Comment: NM_203486.3(DLL3):c.599_603dup (p.Pro202Alafs*41) is a frameshift variant in DLL3 predicted to alter the reading frame and introduce a premature termination codon and is predicted to result in an absent or altered protein product. Loss of function is an established disease mechanism for DLL3-associated disorders. Segregation data support an association with disease in the reported family/families (PMID: 10742114; PMID: 29620724). This variant has been recurrently observed in individuals with DLL3-related disorders (PMID: 10742114; PMID: 29620724). Also, this variant is rare in population databases. Based on the currently available evidence, this variant is classified as pathogenic.

Equipe Genetique des Anomalies du Developpement, Université de Bourgogne
Classification: Pathogenic for Spondylocostal dysostosis 1, autosomal recessive. Last evaluated: 2025-02-10. Review status: criteria provided, single submitter. Criteria: ACMG Guidelines, 2015. Collection method: clinical testing. Allele origin: biparental. Affected: yes.
Comment: This is a homozygous 5-base pair duplication NM_203486.3:c.599_603dup p.(Pro202AlafsTer41) in the gene DLL3, predicted to lead to a frameshift and a premature stop codon. It has been reported as pathogenic in ClinVar. Biallelic variants in DLL3 are responsible for spondylocostal dysostosis with autosomal recessive inheritance (OMIM #277300). According to current evidence, this variant is considered pathogenic (class 5, according to ACMG criteria).

3billion
Classification: Pathogenic for Spondylocostal dysostosis 1, autosomal recessive. Last evaluated: 2024-09-12. Review status: criteria provided, single submitter. Criteria: ACMG Guidelines, 2015. Collection method: clinical testing. Allele origin: germline. Affected: yes.
Comment: The variant is observed at an extremely low frequency in the gnomAD v4.0.0 dataset (total allele frequency: 0.008%). Predicted Consequence/Location: Frameshift: predicted to result in a loss or disruption of normal protein function through nonsense-mediated decay (NMD) or protein truncation. Multiple pathogenic variants are reported downstream of the variant. The variant has been reported at least twice as pathogenic with clinical assertions and evidence for the classification (ClinVar ID: VCV000006828 /PMID: 10742114). Therefore, this variant is classified as Pathogenic according to the recommendation of ACMG/AMP guideline.

Fulgent Genetics
Classification: Pathogenic for Spondylocostal dysostosis 1, autosomal recessive. Last evaluated: 2024-04-23. Review status: criteria provided, single submitter. Criteria: ACMG Guidelines, 2015. Collection method: clinical testing. Allele origin: germline.

GeneDx
Classification: Pathogenic. Last evaluated: 2023-02-03. Review status: criteria provided, single submitter. Criteria: GeneDx Variant Classification Process June 2021. Collection method: clinical testing. Allele origin: germline. Affected: yes.
Comment: Frameshift variant predicted to result in protein truncation or nonsense mediated decay in a gene for which loss-of-function is a known mechanism of disease; This variant is associated with the following publications: (PMID: 10742114, 29620724, 31589614, 35137400, 14708096, 12746394)

CeGaT Center for Human Genetics Tuebingen
Classification: Pathogenic. Last evaluated: 2021-05-01. Review status: criteria provided, single submitter. Criteria: CeGaT Center For Human Genetics Tuebingen Variant Classification Criteria Version 2. Collection method: clinical testing. Allele origin: germline. Affected: yes. Observed: 1 variant allele.

Revvity Omics, Revvity
Classification: Pathogenic for Spondylocostal dysostosis 1, autosomal recessive. Last evaluated: 2020-03-09. Review status: criteria provided, single submitter. Criteria: ACMG Guidelines, 2015. Collection method: clinical testing. Allele origin: germline.

Mendelics
Classification: Pathogenic for Leukodystrophy and acquired microcephaly with or without dystonia;. Last evaluated: 2019-05-28. Review status: criteria provided, single submitter. Criteria: Mendelics Assertion Criteria 2017. Collection method: clinical testing. Allele origin: unknown.

Women's Health and Genetics/Laboratory Corporation of America, LabCorp
Classification: Pathogenic for Spondylocostal dysostosis 1, autosomal recessive. Last evaluated: 2018-10-16. Review status: criteria provided, single submitter. Criteria: LabCorp Variant Classification Summary - May 2015. Collection method: clinical testing. Allele origin: germline.
Comment: Variant summary: DLL3 c.599_603dupGCGGT (p.Pro202AlafsX41) results in a premature termination codon, predicted to cause a truncation of the encoded protein or absence of the protein due to nonsense mediated decay, which are commonly known mechanisms for disease. The variant allele was found at a frequency of 7.1e-05 in 113278 control chromosomes (gnomAD and publications).The variant, c.599_603dupGCGGT, has been reported in the literature in one consanguineous family in multiple homozygotes affected with Spondylocostal dysostosis 1 and in one heterozygote with a milder phenotype (Bulman_2000). These data indicate that the variant is very likely to be associated with disease. To our knowledge, no experimental evidence demonstrating an impact on protein function has been reported. No clinical diagnostic laboratories have submitted clinical-significance assessments for this variant to ClinVar after 2014. Based on the evidence outlined above, the variant was classified as pathogenic.

Neuberg Centre For Genomic Medicine, NCGM
Classification: Pathogenic for Spondylocostal dysostosis 1, autosomal recessive. Review status: criteria provided, single submitter. Criteria: ACMG Guidelines, 2015. Collection method: clinical testing. Allele origin: germline. Inheritance: Autosomal recessive inheritance. Affected: yes.
Comment: The observed frameshift c.599_603dup(p.Pro202AlafsTer41) variant in DLL3 gene has been reported previously in homozygous state in individual(s) affected with spondylocostal dysostosis 1 (Maddirevula S, et al., 2018; Bulman MP, et al., 2000). The p.Pro202AlafsTer41 variant has been reported with allele frequency of 0.006% in gnomAD Exomes. This variant has been submitted to the ClinVar database as Pathogenic (multiple submissions). This variant causes a frameshift starting with codon Proline 202, changes this amino acid to Alanine residue, and creates a premature Stop codon at position 41 of the new reading frame, denoted p.Pro202AlafsTer41. This variant is predicted to cause loss of normal protein function through protein truncation. Loss of function variants in DLL3 gene have been previously reported to be pathogenic (Turnpenny PD, et al., 2003). For these reasons, this variant has been classified as Pathogenic.

OMIM
Classification: Pathogenic for SPONDYLOCOSTAL DYSOSTOSIS 1, AUTOSOMAL RECESSIVE. Last evaluated: 2000-04-01. Review status: no assertion criteria provided. Collection method: literature only. Allele origin: germline. Not counted in ClinVar's aggregate classification.

Literature cited by the submitters: PubMed 12746394 (cited by Labcorp Genetics (formerly Invitae), Labcorp and Dasa); PubMed 10742114 (cited by 5 submitters); PubMed 29620724 (cited by Labcorp Genetics (formerly Invitae), Labcorp and Dasa); PubMed 14708096 (cited by Women's Health and Genetics/Laboratory Corporation of America, LabCorp).